The following is an entry in ClinVar:

ClinVar aggregate classification (germline): Pathogenic (1 of 4 stars; one submission).

Conditions:
Cystic fibrosis (CF). Also called: MUCOVISCIDOSIS. Identifiers: Orphanet 586, MedGen C0010674, MONDO:0009061, OMIM 219700. Disease mechanism: loss of function.

Submission:

Labcorp Genetics (formerly Invitae), Labcorp
Classification: Pathogenic for Cystic fibrosis. Last evaluated: 2024-01-31. Review status: criteria provided, single submitter. Criteria: Invitae Variant Classification Sherloc (09022015). Collection method: clinical testing. Allele origin: germline.
Comment: This sequence change creates a premature translational stop signal (p.Ser256Valfs*5) in the CFTR gene. It is expected to result in an absent or disrupted protein product. Loss-of-function variants in CFTR are known to be pathogenic (PMID: 1695717, 7691345, 9725922). This variant is not present in population databases (gnomAD no frequency). This variant has not been reported in the literature in individuals affected with CFTR-related conditions. For these reasons, this variant has been classified as Pathogenic.

Literature cited by the submitters: PubMed 1695717; PubMed 7691345; PubMed 9725922.

NM_000492.4(CFTR):c.765del (p.Ser256fs)

Gene: CFTR (CF transmembrane conductance regulator; plus strand). Cytogenetic location: 7q31.2.
Variant type: Deletion.
Coding change: c.765del on transcript NM_000492.4 (MANE Select); coding-DNA position 765, one base deleted (C; older notation c.765delC).
Protein change: p.Ser256fs; shifts the reading frame from serine 256.
Molecular consequence: frameshift variant.
Genome position (GRCh38, 1-based): chr7:117,536,569, C deleted. VCF-style (leftmost placement, unchanged base first): chr7-117536568-TC-T. GRCh37 (hg19) VCF-style: chr7-117176622-TC-T.
Other names: short protein forms S256fs.
Identifiers: ClinVar variation 3633058 (VCV003633058.2).